The following is an entry in ClinVar:

ClinVar aggregate classification (germline): Likely benign (1 of 4 stars; one submission).

Submission:

CeGaT Center for Human Genetics Tuebingen
Classification: Likely benign. Last evaluated: 2026-04-01. Review status: criteria provided, single submitter. Criteria: CeGaT Center For Human Genetics Tuebingen Variant Classification Criteria Version 2. Collection method: clinical testing. Allele origin: germline. Affected: yes. Observed: 1 variant allele.
Comment: FMN2: BP4, BP7

NM_020066.5(FMN2):c.3339A>T (p.Leu1113=)

Gene: FMN2 (formin 2; plus strand). Cytogenetic location: 1q43.
Variant type: single nucleotide variant.
Coding change: c.3339A>T on transcript NM_020066.5 (MANE Select); coding-DNA position 3339, A replaced by T.
Protein change: p.Leu1113=; no amino-acid change (leucine 1113 retained).
Molecular consequence: synonymous variant. On other transcripts: intron variant (1).
Genome position (GRCh38, 1-based): chr1:240,208,151, A>T. VCF-style: chr1-240208151-A-T. GRCh37 (hg19) VCF-style: chr1-240371451-A-T.
Other names: c.3351A>T, p.Leu1117= (NM_001305424.2); c.1986+19889A>T (NM_001348094.2).
Identifiers: ClinVar variation 4872263 (VCV004872263.2).